The following is an entry in ClinVar:

NM_002692.4(POLE2):c.1566-3del

Gene: POLE2 (DNA polymerase epsilon 2, accessory subunit; minus strand). Cytogenetic location: 14q21.3.
Variant type: Deletion.
Coding change: c.1566-3del on transcript NM_002692.4 (MANE Select); 3 bases into the intron before coding-DNA position 1566, one base deleted (C; older notation c.1566-3delC).
Molecular consequence: intron variant.
Genome position (GRCh38, 1-based): chr14:49,643,673, G deleted on the plus strand (C on the coding strand, the reverse complement: POLE2 is on the minus strand). VCF-style (leftmost placement, unchanged base first): chr14-49643672-TG-T. GRCh37 (hg19) VCF-style: chr14-50110390-TG-T.
Other names: c.1488-3del (NM_001197330.2); c.1563-3del (NM_001348384.2); c.1335-3del (NM_001348385.2).
Identifiers: ClinVar variation 1948531 (VCV001948531.5), dbSNP rs2502786507, ClinGen allele CA2580088140.

ClinVar aggregate classification (germline): Uncertain significance (1 of 4 stars; one submission).

Submission:

Labcorp Genetics (formerly Invitae), Labcorp
Classification: Uncertain significance. Last evaluated: 2022-06-16. Review status: criteria provided, single submitter. Criteria: Invitae Variant Classification Sherloc (09022015). Collection method: clinical testing. Allele origin: germline.
Comment: In summary, the available evidence is currently insufficient to determine the role of this variant in disease. Therefore, it has been classified as a Variant of Uncertain Significance. Variants that disrupt the consensus splice site are a relatively common cause of aberrant splicing (PMID: 17576681, 9536098). Algorithms developed to predict the effect of sequence changes on RNA splicing suggest that this variant is not likely to affect RNA splicing. This variant has not been reported in the literature in individuals affected with POLE2-related conditions. This variant is not present in population databases (gnomAD no frequency). This sequence change falls in intron 18 of the POLE2 gene. It does not directly change the encoded amino acid sequence of the POLE2 protein. It affects a nucleotide within the consensus splice site.

Literature cited by the submitters: PubMed 17576681; PubMed 9536098.